The following is an entry in ClinVar:

NM_000302.4(PLOD1):c.34T>C (p.Trp12Arg)

Gene: PLOD1 (procollagen-lysine,2-oxoglutarate 5-dioxygenase 1; plus strand). Cytogenetic location: 1p36.22.
Variant type: single nucleotide variant.
Coding change: c.34T>C on transcript NM_000302.4 (MANE Select); coding-DNA position 34, T replaced by C.
Protein change: p.Trp12Arg; replaces tryptophan 12 with arginine.
Molecular consequence: missense variant.
Genome position (GRCh38, 1-based): chr1:11,934,813, T>C. VCF-style: chr1-11934813-T-C. GRCh37 (hg19) VCF-style: chr1-11994870-T-C.
Other names: c.34T>C, p.Trp12Arg (NM_001316320.2); short protein forms W12R.
Identifiers: ClinVar variation 1708797 (VCV001708797.2), dbSNP rs2522756599, ClinGen allele CA338422787.

ClinVar aggregate classification (germline): Uncertain significance (1 of 4 stars; one submission).

Allele frequency attached by ClinVar (database versions not stated): gnomAD exomes below 0.00001.
gnomAD v4.1: 1 of 1,540,880 alleles (0.000065%); highest among the groups gnomAD compares: Non-Finnish European, 0.000087%; no homozygotes.

Submission:

GeneDx
Classification: Uncertain significance. Last evaluated: 2022-04-08. Review status: criteria provided, single submitter. Criteria: GeneDx Variant Classification Process June 2021. Collection method: clinical testing. Allele origin: germline. Affected: yes.
Comment: Not observed at significant frequency in large population cohorts (gnomAD); In silico analysis supports that this missense variant has a deleterious effect on protein structure/function; Has not been previously published as pathogenic or benign to our knowledge